The following is an entry in ClinVar:

NM_000133.4(F9):c.191G>A (p.Cys64Tyr)

Gene: F9 (coagulation factor IX; plus strand). Cytogenetic location: Xq27.1.
Variant type: single nucleotide variant.
Coding change: c.191G>A on transcript NM_000133.4 (MANE Select); coding-DNA position 191, G replaced by A.
Protein change: p.Cys64Tyr; replaces cysteine 64 with tyrosine.
Molecular consequence: missense variant.
Genome position (GRCh38, 1-based): chrX:139,537,112, G>A. VCF-style: chrX-139537112-G-A. GRCh37 (hg19) VCF-style: chrX-138619271-G-A.
Other names: c.191G>A, p.Cys64Tyr (NM_001313913.2); short protein forms C64Y.
Identifiers: ClinVar variation 1076388 (VCV001076388.9), dbSNP rs1330779541, ClinGen allele CA414435945.

ClinVar aggregate classification (germline): Pathogenic (1 of 4 stars; one submission).

Conditions:
Hereditary factor IX deficiency disease (HEMB). Also called: Hemophilia B; F9 DEFICIENCY; FACTOR IX DEFICIENCY; PLASMA THROMBOPLASTIN COMPONENT DEFICIENCY; Christmas Disease. Identifiers: Orphanet 98879, MedGen C0008533, MeSH D002836, MONDO:0010604, OMIM 306900.
Thrombophilia, X-linked, due to factor 9 defect. Identifiers: MedGen C2749016, MONDO:0010432, OMIM 300807.

Submission:

Labcorp Genetics (formerly Invitae), Labcorp
Classification: Pathogenic for Thrombophilia, X-linked, due to factor 9 defect; Hereditary factor IX deficiency disease. Last evaluated: 2020-08-22. Review status: criteria provided, single submitter. Criteria: Invitae Variant Classification Sherloc (09022015). Collection method: clinical testing. Allele origin: germline.
Comment: For these reasons, this variant has been classified as Pathogenic. This sequence change replaces cysteine with tyrosine at codon 64 of the F9 protein (p.Cys64Tyr). The cysteine residue is highly conserved and there is a large physicochemical difference between cysteine and tyrosine. This variant is not present in population databases (ExAC no frequency). This variant has been observed in individual(s) with hemophilia B (PMID: 8217825, 19699296). This variant is also known as p.Cys18Tyr. Advanced modeling of protein sequence and biophysical properties (such as structural, functional, and spatial information, amino acid conservation, physicochemical variation, residue mobility, and thermodynamic stability) performed at Invitae indicates that this missense variant is expected to disrupt F9 protein function.

Literature cited by the submitters: PubMed 8217825; PubMed 19699296.